The following is an entry in ClinVar:

NM_001358235.2(DCHS2):c.5475C>T (p.His1825=)

Gene: DCHS2 (dachsous cadherin-related 2; minus strand). Cytogenetic location: 4q31.3.
Variant type: single nucleotide variant.
Coding change: c.5475C>T on transcript NM_001358235.2 (MANE Select); coding-DNA position 5475, C replaced by T.
Protein change: p.His1825=; no amino-acid change (histidine 1825 retained).
Molecular consequence: synonymous variant.
Genome position (GRCh38, 1-based): chr4:154,304,799, G>A on the plus strand (C>T on the coding strand, the complement: DCHS2 is on the minus strand). VCF-style: chr4-154304799-G-A. GRCh37 (hg19) VCF-style: chr4-155225951-G-A.
Identifiers: ClinVar variation 3038477 (VCV003038477.2), dbSNP rs115999956, ClinGen allele CA3112639.

ClinVar aggregate classification (germline): Benign (0 of 4 stars; one submission).

Conditions:
DCHS2-related disorder. Also called: DCHS2-related condition.

Allele frequency attached by ClinVar (database versions not stated): ExAC 0.00199; gnomAD 0.00593; TOPMed 0.00695; ESP Exome Variant Server 0.00700; 1000 Genomes Project 30x 0.00718; 1000 Genomes Project 0.00739.
gnomAD v4.1: 1,719 of 1,613,824 alleles (0.11%); highest among the groups gnomAD compares: African/African-American, 2.1%; 18 homozygotes.

Submission:

PreventionGenetics, part of Exact Sciences
Classification: Benign for DCHS2-related condition. Last evaluated: 2019-08-01. Review status: no assertion criteria provided. Collection method: clinical testing. Allele origin: germline.
Comment: This variant is classified as benign based on ACMG/AMP sequence variant interpretation guidelines (Richards et al. 2015 PMID: 25741868, with internal and published modifications).